The following is an entry in ClinVar:

NM_173543.3(DZIP1L):c.370C>T (p.Arg124Cys)

Gene: DZIP1L (DAZ interacting zinc finger protein 1 like; minus strand). Cytogenetic location: 3q22.3.
Variant type: single nucleotide variant.
Coding change: c.370C>T on transcript NM_173543.3 (MANE Select); coding-DNA position 370, C replaced by T.
Protein change: p.Arg124Cys; replaces arginine 124 with cysteine.
Molecular consequence: missense variant.
Genome position (GRCh38, 1-based): chr3:138,103,602, G>A on the plus strand (C>T on the coding strand, the complement: DZIP1L is on the minus strand). VCF-style: chr3-138103602-G-A. GRCh37 (hg19) VCF-style: chr3-137822444-G-A.
Other names: c.370C>T (NM_173543.2); c.370C>T, p.Arg124Cys (NM_001170538.1); short protein forms R124C.
Identifiers: ClinVar variation 2050502 (VCV002050502.5), dbSNP rs145919527, ClinGen allele CA2635306.

ClinVar aggregate classification (germline): Uncertain significance. Review status: criteria provided, multiple submitters, no conflicts (2 of 4 stars). 2 submissions from 2 submitters: Uncertain significance (2). Last evaluated 2024-12-14.

Conditions:
Inborn genetic diseases. Identifiers: MedGen C0950123, MeSH D030342.

Allele frequency attached by ClinVar (database versions not stated): gnomAD exomes 0.00006; ESP Exome Variant Server 0.00015; gnomAD 0.00003; ExAC 0.00010; TOPMed 0.00003.
gnomAD v4.1: 92 of 1,606,478 alleles (0.0057%); highest among the groups gnomAD compares: South Asian, 0.037%; no homozygotes.

Submissions (2):

Ambry Genetics
Classification: Uncertain significance for Inborn genetic diseases. Last evaluated: 2024-12-14. Review status: criteria provided, single submitter. Criteria: Ambry Variant Classification Scheme 2023. Collection method: clinical testing. Allele origin: germline.

Labcorp Genetics (formerly Invitae), Labcorp
Classification: Uncertain significance. Last evaluated: 2021-12-25. Review status: criteria provided, single submitter. Criteria: Invitae Variant Classification Sherloc (09022015). Collection method: clinical testing. Allele origin: germline.
Comment: In summary, the available evidence is currently insufficient to determine the role of this variant in disease. Therefore, it has been classified as a Variant of Uncertain Significance. This sequence change replaces arginine, which is basic and polar, with cysteine, which is neutral and slightly polar, at codon 124 of the DZIP1L protein (p.Arg124Cys). This variant is present in population databases (rs145919527, gnomAD 0.04%). This variant has not been reported in the literature in individuals affected with DZIP1L-related conditions. Algorithms developed to predict the effect of missense changes on protein structure and function are either unavailable or do not agree on the potential impact of this missense change (SIFT: "Deleterious"; PolyPhen-2: "Probably Damaging"; Align-GVGD: "Class C0").